The following is an entry in ClinVar:

ClinVar aggregate classification (germline): Pathogenic/Likely pathogenic. Review status: criteria provided, multiple submitters, no conflicts (2 of 4 stars). 8 submissions from 8 submitters: Pathogenic (2); Likely pathogenic (6). Last evaluated 2026-09-23.

Conditions:
BBS12-related disorder. Also called: BBS12-related condition.
Bardet-Biedl syndrome (BBS). Identifiers: Orphanet 110, MedGen C0752166, MONDO:0015229.
Bardet-Biedl syndrome 12 (BBS12). Identifiers: Orphanet 110, MedGen C1859570, MONDO:0014440, OMIM 615989.

Submissions (8):

PreventionGenetics, part of Exact Sciences
Classification: Likely pathogenic for BBS12-related condition. Last evaluated: 2026-09-23. Review status: criteria provided, single submitter. Criteria: ACMG Guidelines, 2015. Collection method: clinical testing. Allele origin: germline.
Comment: The BBS12 c.1996_1998delGTT variant is predicted to result in an in-frame deletion (p.Val666del). This variant was reported in the suspected or confirmed compound heterozygous state in individuals with features consistent with Bardet-Biedl syndrome (BBS; Supplementary Table 3, Vora et al. 2020. PubMed ID: 31974414; Shen et al. 2022. PubMed ID: 36384733). This variant was also identified in an additional patient with features consistent with BBS but a second causative variant was not identified (Yavarna et al. 2015. PubMed ID: 26077850). This variant is reported in 0.0062% of alleles in individuals of African descent in gnomAD. This variant is interpreted as likely pathogenic.

Labcorp Genetics (formerly Invitae), Labcorp
Classification: Likely pathogenic for Bardet-Biedl syndrome. Last evaluated: 2025-08-21. Review status: criteria provided, single submitter. Criteria: Invitae Variant Classification Sherloc (09022015). Collection method: clinical testing. Allele origin: germline.
Comment: This variant, c.1996_1998del, results in the deletion of 1 amino acid(s) of the BBS12 protein (p.Val666del), but otherwise preserves the integrity of the reading frame. This variant is present in population databases (rs779685329, gnomAD 0.007%). This variant has been observed in individual(s) with clinical features of Bardet-Biedl syndrome (PMID: 26077850, 31974414, 36384733). In at least one individual the data is consistent with being in trans (on the opposite chromosome) from a pathogenic variant. This variant is also known as c.1993_1995del. In summary, the currently available evidence indicates that the variant is pathogenic, but additional data are needed to prove that conclusively. Therefore, this variant has been classified as Likely Pathogenic.

Natera, Inc.
Classification: Likely pathogenic for Bardet-Biedl syndrome type 12. Last evaluated: 2025-04-23. Review status: criteria provided, single submitter. Criteria: Natera Variant Classification Schema (03/2026). Collection method: clinical testing. Allele origin: germline.
Comment: The c.1996_1998delGTT variant in BBS12 is an in-frame deletion predicted to remove valine at amino acid 666 while preserving the reading frame. This variant is rare in the general population with a frequency below the threshold expected for the associated phenotype(s). This variant has been observed in one or more individuals affected with the associated recessive disease, as either homozygous or compound heterozygous with a second variant (PMID: 36384733, 31974414, 27659767). This variant results in a change to the protein length while preserving reading frame, which may disrupt normal protein structure or function. Given the available evidence, this variant is classified as Likely Pathogenic.

Dubai Health Genomic Medicine Center, Dubai Health
Classification: Likely pathogenic for Bardet-Biedl syndrome 12. Last evaluated: 2024-10-04. Review status: criteria provided, single submitter. Criteria: ACMG Guidelines, 2015. Collection method: research. Allele origin: germline. Affected: yes.
Comment: PVS1,PM2

Genomic Medicine Center of Excellence, King Faisal Specialist Hospital and Research Centre
Classification: Likely pathogenic for Bardet-Biedl syndrome 12. Last evaluated: 2024-09-22. Review status: criteria provided, single submitter. Criteria: ACMG Guidelines, 2015. Collection method: clinical testing. Allele origin: germline.

Fulgent Genetics
Classification: Pathogenic for Bardet-Biedl syndrome 12. Last evaluated: 2024-01-04. Review status: criteria provided, single submitter. Criteria: ACMG Guidelines, 2015. Collection method: clinical testing. Allele origin: germline.

Baylor Genetics
Classification: Likely pathogenic for Bardet-Biedl syndrome 12. Last evaluated: 2023-10-23. Review status: criteria provided, single submitter. Criteria: ACMG Guidelines, 2015. Collection method: clinical testing. Allele origin: unknown.

Blueprint Genetics
Classification: Pathogenic for BBS12-related disorders. Last evaluated: 2023-03-08. Review status: criteria provided, single submitter. Criteria: ACMG Guidelines, 2015. Collection method: clinical testing. Allele origin: germline. Affected: yes. Observed: 2 variant alleles.

Literature cited by the submitters: PubMed 26077850 (cited by Labcorp Genetics (formerly Invitae), Labcorp); PubMed 31974414 (cited by Labcorp Genetics (formerly Invitae), Labcorp and Natera, Inc.); PubMed 36384733 (cited by Labcorp Genetics (formerly Invitae), Labcorp and Natera, Inc.); PubMed 27659767 (cited by Natera, Inc.).

NM_152618.3(BBS12):c.1993GTT[1] (p.Val666del)

Gene: BBS12 (Bardet-Biedl syndrome 12; plus strand). Cytogenetic location: 4q27.
Variant type: Microsatellite.
Coding change: c.1993GTT[1] on transcript NM_152618.3 (MANE Select); one copy of the 3-base unit GTT starting at c.1993; the reference has two copies in a row; one copy, 3 bases deleted; also written c.1996_1998del.
Protein change: p.Val666del; deletes valine 666.
Molecular consequence: inframe deletion.
Genome position (GRCh38, 1-based): chr4:122,743,888-122,743,890, GTT deleted; deleting any 3 consecutive bases within chr4:122,743,885-122,743,890 gives the same sequence; the position shown is the placement nearest the transcript's 3' end. VCF-style (leftmost placement, unchanged base first): chr4-122743884-CGTT-C. GRCh37 (hg19) VCF-style: chr4-123665039-CGTT-C.
Other names: c.1993GTT[1], p.Val666del (NM_001178007.2); c.1996_1998delGTT (NM_152618.2); c.1996_1998del (NM_152618.3); short protein forms V666del.
Identifiers: ClinVar variation 2181208 (VCV002181208.9), dbSNP rs779685329, ClinGen allele CA3069541.